The following is an entry in ClinVar:

ClinVar aggregate classification (germline): Pathogenic (1 of 4 stars; one submission).

Conditions:
Trichorhinophalangeal dysplasia type I (TRPS1). Also called: TRPS I; TRICHORHINOPHALANGEAL SYNDROME, TYPE I. Identifiers: Orphanet 77258, MedGen C0432233, MONDO:0008596, OMIM 190350.
Trichorhinophalangeal syndrome, type III (TRPS3). Also called: SUGIO-KAJII SYNDROME. Identifiers: Orphanet 77258, MedGen C1860823, OMIM 190351, MONDO:0008597.

Submission:

Labcorp Genetics (formerly Invitae), Labcorp
Classification: Pathogenic for Trichorhinophalangeal syndrome, type III; Trichorhinophalangeal dysplasia type I. Last evaluated: 2020-09-13. Review status: criteria provided, single submitter. Criteria: Invitae Variant Classification Sherloc (09022015). Collection method: clinical testing. Allele origin: germline.
Comment: This sequence change creates a premature translational stop signal (p.Ser818*) in the TRPS1 gene. It is expected to result in an absent or disrupted protein product. This variant is not present in population databases (ExAC no frequency). This variant has not been reported in the literature in individuals with TRPS1-related conditions. Loss-of-function variants in TRPS1 are known to be pathogenic (PMID: 11112658). For these reasons, this variant has been classified as Pathogenic.

Literature cited by the submitters: PubMed 11112658.

NM_014112.5(TRPS1):c.2453C>A (p.Ser818Ter)

Gene: TRPS1 (transcriptional repressor GATA binding 1; minus strand). Cytogenetic location: 8q23.3.
Variant type: single nucleotide variant.
Coding change: c.2453C>A on transcript NM_014112.5 (MANE Select); coding-DNA position 2453, C replaced by A.
Protein change: p.Ser818Ter; replaces serine 818 with a stop codon.
Molecular consequence: nonsense.
Genome position (GRCh38, 1-based): chr8:115,587,248, G>T on the plus strand (C>A on the coding strand, the complement: TRPS1 is on the minus strand). VCF-style: chr8-115587248-G-T. GRCh37 (hg19) VCF-style: chr8-116599475-G-T.
Other names: c.2426C>A, p.Ser809Ter (NM_001282902.3); c.2432C>A, p.Ser811Ter (NM_001282903.3); c.2414C>A, p.Ser805Ter (NM_001330599.2); short protein forms S805*, S809*, S811*, S818*.
Identifiers: ClinVar variation 1075041 (VCV001075041.2), dbSNP rs2130444603, ClinGen allele CA372065075.